The following is an entry in ClinVar:

NM_001164508.2(NEB):c.23127+2T>C

Genes: NEB (nebulin; minus strand), RIF1 (replication timing regulatory factor 1; plus strand). Cytogenetic location: 2q23.3.
Variant type: single nucleotide variant.
Coding change: c.23127+2T>C on transcript NM_001164508.2 (MANE Select); the canonical splice donor site of the intron after coding-DNA position 23127, T replaced by C.
Molecular consequence: splice donor variant.
Genome position (GRCh38, 1-based): chr2:151,514,316, A>G on the plus strand (T>C on the coding strand, the complement: NEB is on the minus strand). VCF-style: chr2-151514316-A-G. GRCh37 (hg19) VCF-style: chr2-152370830-A-G.
Other names: c.18024+2T>C (NM_004543.5); c.23127+2T>C (NM_001164507.2); c.23232+2T>C (NM_001271208.2).
Identifiers: ClinVar variation 331413 (VCV000331413.19), dbSNP rs112610938, ClinGen allele CA10612274.

ClinVar aggregate classification (germline): Likely pathogenic. Review status: criteria provided, multiple submitters, no conflicts (2 of 4 stars). 3 submissions from 3 submitters: Likely pathogenic (2). 1 of the submissions does not count toward it. Last evaluated 2024-06-26.

Conditions:
Nemaline myopathy 2 (NEM2). Also called: Nemaline myopathy 2, autosomal recessive. Identifiers: MedGen C1850569, MONDO:0009725, OMIM 256030.
Arthrogryposis multiplex congenita 6. Identifiers: MedGen C5543431, MONDO:0030281, OMIM 619334.

Allele frequency attached by ClinVar (database versions not stated): gnomAD exomes below 0.00001; gnomAD 0.00001.
gnomAD v4.1: 3 of 1,595,672 alleles (0.00019%); highest among the groups gnomAD compares: African/African-American, 0.0013%; no homozygotes.

Submissions (3):

Labcorp Genetics (formerly Invitae), Labcorp
Classification: Likely pathogenic for Nemaline myopathy 2. Last evaluated: 2024-06-26. Review status: criteria provided, single submitter. Criteria: Invitae Variant Classification Sherloc (09022015). Collection method: clinical testing. Allele origin: germline.
Comment: This sequence change affects a donor splice site in intron 160 of the NEB gene. It is expected to disrupt RNA splicing. Variants that disrupt the donor or acceptor splice site typically lead to a loss of protein function (PMID: 16199547), and loss-of-function variants in NEB are known to be pathogenic (PMID: 25205138). This variant is present in population databases (no rsID available, gnomAD 0.004%). This variant has not been reported in the literature in individuals affected with NEB-related conditions. ClinVar contains an entry for this variant (Variation ID: 331413). Algorithms developed to predict the effect of sequence changes on RNA splicing suggest that this variant may disrupt the consensus splice site. In summary, the currently available evidence indicates that the variant is pathogenic, but additional data are needed to prove that conclusively. Therefore, this variant has been classified as Likely Pathogenic.

Baylor Genetics
Classification: Likely pathogenic for Arthrogryposis multiplex congenita 6. Last evaluated: 2023-11-06. Review status: criteria provided, single submitter. Criteria: ACMG Guidelines, 2015. Collection method: clinical testing. Allele origin: unknown.

Natera, Inc.
Classification: Likely pathogenic for Nemaline myopathy type 2. Last evaluated: 2021-08-22. Review status: no assertion criteria provided. Collection method: clinical testing. Allele origin: germline. Not counted in ClinVar's aggregate classification.

Literature cited by the submitters: PubMed 16199547 (cited by Labcorp Genetics (formerly Invitae), Labcorp); PubMed 25205138 (cited by Labcorp Genetics (formerly Invitae), Labcorp).